The following is an entry in ClinVar:

ClinVar aggregate classification (germline): Uncertain significance. Review status: criteria provided, multiple submitters, no conflicts (2 of 4 stars). 2 submissions from 2 submitters: Uncertain significance (2). Last evaluated 2024-09-05.

Conditions:
Hereditary cancer-predisposing syndrome. Also called: Hereditary neoplastic syndrome; Neoplastic Syndromes, Hereditary; Hereditary Cancer Syndrome; Tumor predisposition. Identifiers: Orphanet 140162, MedGen C0027672, MeSH D009386, MONDO:0015356.

Submissions (2):

Ambry Genetics
Classification: Uncertain significance for Hereditary cancer-predisposing syndrome. Last evaluated: 2024-09-05. Review status: criteria provided, single submitter. Criteria: Ambry Variant Classification Scheme 2023. Collection method: clinical testing. Allele origin: germline.
Comment: The p.V1002L variant (also known as c.3004G>C), located in coding exon 25 of the POLE gene, results from a G to C substitution at nucleotide position 3004. The valine at codon 1002 is replaced by leucine, an amino acid with highly similar properties. This amino acid position is conserved. In addition, this alteration is predicted to be tolerated by in silico analysis. Based on the available evidence, the clinical significance of this variant remains unclear.

Labcorp Genetics (formerly Invitae), Labcorp
Classification: Uncertain significance. Last evaluated: 2020-11-20. Review status: criteria provided, single submitter. Criteria: Invitae Variant Classification Sherloc (09022015). Collection method: clinical testing. Allele origin: germline.
Comment: In summary, the available evidence is currently insufficient to determine the role of this variant in disease. Therefore, it has been classified as a Variant of Uncertain Significance. Algorithms developed to predict the effect of missense changes on protein structure and function (SIFT, PolyPhen-2, Align-GVGD) all suggest that this variant is likely to be tolerated, but these predictions have not been confirmed by published functional studies and their clinical significance is uncertain. This variant has not been reported in the literature in individuals with POLE-related conditions. This variant is not present in population databases (ExAC no frequency). This sequence change replaces valine with leucine at codon 1002 of the POLE protein (p.Val1002Leu). The valine residue is moderately conserved and there is a small physicochemical difference between valine and leucine.

NM_006231.4(POLE):c.3004G>C (p.Val1002Leu)

Gene: POLE (DNA polymerase epsilon, catalytic subunit; minus strand). Cytogenetic location: 12q24.33.
Variant type: single nucleotide variant.
Coding change: c.3004G>C on transcript NM_006231.4 (MANE Select); coding-DNA position 3004, G replaced by C.
Protein change: p.Val1002Leu; replaces valine 1002 with leucine.
Molecular consequence: missense variant.
Genome position (GRCh38, 1-based): chr12:132,661,025, C>G on the plus strand (G>C on the coding strand, the complement: POLE is on the minus strand). VCF-style: chr12-132661025-C-G. GRCh37 (hg19) VCF-style: chr12-133237611-C-G.
Other names: c.3004G>C (NM_006231.2); short protein forms V1002L.
Identifiers: ClinVar variation 1486954 (VCV001486954.9), dbSNP rs2042666966, ClinGen allele CA387392309.
Genomic context (GRCh38, chr12:132,661,025, plus strand): 5'-TTACCTTGCTGTACAGCACGTCCAGCCAGTAGTCAGCCACCTTGGCTACAGAGCCATACA[C>G]CTCTTCCAGCGTGCTGCCCTTGAGGAAGGCCTCAAACACCGAGGATTGGAAGATCTTAAT-3'
Protein context (NP_006222.2, residues 992-1012): AFLKGSTLEE[Val1002Leu]YGSVAKVADY